The following is an entry in ClinVar:

NM_001042492.3(NF1):c.3889C>G (p.Leu1297Val)

Gene: NF1 (neurofibromin 1; plus strand). Cytogenetic location: 17q11.2.
Variant type: single nucleotide variant.
Coding change: c.3889C>G on transcript NM_001042492.3 (MANE Select); coding-DNA position 3889, C replaced by G.
Protein change: p.Leu1297Val; replaces leucine 1297 with valine.
Molecular consequence: missense variant.
Genome position (GRCh38, 1-based): chr17:31,235,936, C>G. VCF-style: chr17-31235936-C-G. GRCh37 (hg19) VCF-style: chr17-29562954-C-G.
Other names: c.3889C>G, p.Leu1297Val (NM_000267.4); short protein forms L1297V.
Identifiers: ClinVar variation 3703071 (VCV003703071.3).

ClinVar aggregate classification (germline): Uncertain significance. Review status: criteria provided, multiple submitters, no conflicts (2 of 4 stars). 2 submissions from 2 submitters: Uncertain significance (2). Last evaluated 2025-05-03.

Conditions:
Cardiovascular phenotype. Identifiers: MedGen CN230736.
Hereditary cancer-predisposing syndrome. Also called: Hereditary Cancer Syndrome; Neoplastic Syndromes, Hereditary; Tumor predisposition; Hereditary neoplastic syndrome. Identifiers: Orphanet 140162, MedGen C0027672, MeSH D009386, MONDO:0015356.
Neurofibromatosis, type 1 (NF1). Also called: NEUROFIBROMATOSIS, TYPE I, SOMATIC; Neurofibromatosis, type I; VON RECKLINGHAUSEN DISEASE; Peripheral type neurofibromatosis. Identifiers: Orphanet 636, MedGen C0027831, MONDO:0018975, OMIM 162200. Disease mechanism: loss of function.

Submissions (2):

Ambry Genetics
Classification: Uncertain significance for Cardiovascular phenotype; Hereditary cancer-predisposing syndrome. Last evaluated: 2025-05-03. Review status: criteria provided, single submitter. Criteria: Ambry Variant Classification Scheme 2023. Collection method: clinical testing. Allele origin: germline.
Comment: The p.L1297V variant (also known as c.3889C>G), located in coding exon 29 of the NF1 gene, results from a C to G substitution at nucleotide position 3889. The leucine at codon 1297 is replaced by valine, an amino acid with highly similar properties. This amino acid position is conserved. In addition, this alteration is predicted to be deleterious by in silico analysis. Based on the available evidence, the clinical significance of this variant remains unclear.

Labcorp Genetics (formerly Invitae), Labcorp
Classification: Uncertain significance for Neurofibromatosis, type 1. Last evaluated: 2024-09-12. Review status: criteria provided, single submitter. Criteria: Invitae Variant Classification Sherloc (09022015). Collection method: clinical testing. Allele origin: germline.
Comment: This sequence change replaces leucine, which is neutral and non-polar, with valine, which is neutral and non-polar, at codon 1297 of the NF1 protein (p.Leu1297Val). This variant is not present in population databases (gnomAD no frequency). This variant has not been reported in the literature in individuals affected with NF1-related conditions. Invitae Evidence Modeling of protein sequence and biophysical properties (such as structural, functional, and spatial information, amino acid conservation, physicochemical variation, residue mobility, and thermodynamic stability) indicates that this missense variant is expected to disrupt NF1 protein function with a positive predictive value of 95%. In summary, the available evidence is currently insufficient to determine the role of this variant in disease. Therefore, it has been classified as a Variant of Uncertain Significance.